The following is an entry in ClinVar:

NM_005993.5(TBCD):c.2852+4C>T

Gene: TBCD (tubulin folding cofactor D). Cytogenetic location: 17q25.3.
Variant type: single nucleotide variant.
Coding change: c.2852+4C>T on transcript NM_005993.5 (MANE Select); 4 bases into the intron after coding-DNA position 2852, C replaced by T.
Molecular consequence: intron variant.
Genome position (GRCh38, 1-based): chr17:82,929,275, C>T. VCF-style: chr17-82929275-C-T. GRCh37 (hg19) VCF-style: chr17-80887151-C-T.
Identifiers: ClinVar variation 950572 (VCV000950572.7), dbSNP rs756662476, ClinGen allele CA628029534.

ClinVar aggregate classification (germline): Uncertain significance (1 of 4 stars; one submission).

gnomAD v4.1: 8 of 1,613,348 alleles (0.0005%); highest among the groups gnomAD compares: African/African-American, 0.0053%; no homozygotes.

Submission:

Labcorp Genetics (formerly Invitae), Labcorp
Classification: Uncertain significance. Last evaluated: 2023-05-04. Review status: criteria provided, single submitter. Criteria: Invitae Variant Classification Sherloc (09022015). Collection method: clinical testing. Allele origin: germline.
Comment: This variant has not been reported in the literature in individuals affected with TBCD-related conditions. ClinVar contains an entry for this variant (Variation ID: 950572). This variant is present in population databases (no rsID available, gnomAD 0.01%). This sequence change falls in intron 31 of the TBCD gene. It does not directly change the encoded amino acid sequence of the TBCD protein. It affects a nucleotide within the consensus splice site. Variants that disrupt the consensus splice site are a relatively common cause of aberrant splicing (PMID: 17576681, 9536098). Algorithms developed to predict the effect of sequence changes on RNA splicing suggest that this variant is not likely to affect RNA splicing. In summary, the available evidence is currently insufficient to determine the role of this variant in disease. Therefore, it has been classified as a Variant of Uncertain Significance.

Literature cited by the submitters: PubMed 17576681; PubMed 9536098.